The following is an entry in ClinVar:

NM_001330078.2(NRXN1):c.2945C>T (p.Pro982Leu)

Gene: NRXN1 (neurexin 1; minus strand). Cytogenetic location: 2p16.3.
Variant type: single nucleotide variant.
Coding change: c.2945C>T on transcript NM_001330078.2 (MANE Select); coding-DNA position 2945, C replaced by T.
Protein change: p.Pro982Leu; replaces proline 982 with leucine.
Molecular consequence: missense variant.
Genome position (GRCh38, 1-based): chr2:50,496,030, G>A on the plus strand (C>T on the coding strand, the complement: NRXN1 is on the minus strand). VCF-style: chr2-50496030-G-A. GRCh37 (hg19) VCF-style: chr2-50723168-G-A.
Other names: c.3065C>T, p.Pro1022Leu (NM_001135659.3); c.2921C>T, p.Pro974Leu (NM_001330077.2, NM_001330082.2); c.2879C>T, p.Pro960Leu (NM_001330083.2, NM_001330084.2); c.2918C>T, p.Pro973Leu (NM_001330085.2); c.2945C>T, p.Pro982Leu (NM_001330086.2, NM_004801.6); c.2834C>T, p.Pro945Leu (NM_001330087.2, NM_001330096.2); c.2864C>T, p.Pro955Leu (NM_001330088.2); c.2942C>T, p.Pro981Leu (NM_001330093.2); and 2 more; short protein forms P1022L, P960L, P981L, P965L, P973L, P978L, P982L, P945L.
Identifiers: ClinVar variation 2799937 (VCV002799937.3), dbSNP rs748676231, ClinGen allele CA346776508.
Genomic context (GRCh38, chr2:50,496,030, plus strand): 5'-GTGTGGAGGTTGCTGGTGTCCCTTGATATCATCACGTTGTGCCACTGATTGTCATTGAGA[G>A]GTTTATTTGAGCTTCCTTTGATGAGGTTAGCACCATTTCCCAAATCAAACACGTAATGTA-3'
Protein context (NP_001317007.1, residues 972-992): ANLIKGSSNK[Pro982Leu]LNDNQWHNVM

ClinVar aggregate classification (germline): Uncertain significance (1 of 4 stars; one submission).

Conditions:
Pitt-Hopkins-like syndrome 2 (PTHSL2). Identifiers: Orphanet 221150, Orphanet 600663, MedGen C3280479, MONDO:0013690, OMIM 614325.

Submission:

Labcorp Genetics (formerly Invitae), Labcorp
Classification: Uncertain significance for Pitt-Hopkins-like syndrome 2. Last evaluated: 2025-02-02. Review status: criteria provided, single submitter. Criteria: Invitae Variant Classification Sherloc (09022015). Collection method: clinical testing. Allele origin: germline.
Comment: This sequence change replaces proline, which is neutral and non-polar, with leucine, which is neutral and non-polar, at codon 1022 of the NRXN1 protein (p.Pro1022Leu). This variant is not present in population databases (gnomAD no frequency). This variant has not been reported in the literature in individuals affected with NRXN1-related conditions. ClinVar contains an entry for this variant (Variation ID: 2799937). An algorithm developed to predict the effect of missense changes on protein structure and function (PolyPhen-2) suggests that this variant is likely to be disruptive. In summary, the available evidence is currently insufficient to determine the role of this variant in disease. Therefore, it has been classified as a Variant of Uncertain Significance.